The following is an entry in ClinVar:

ClinVar aggregate classification (germline): Likely benign (1 of 4 stars; one submission).

Allele frequency attached by ClinVar (database versions not stated): ExAC 0.01151.

Submission:

CeGaT Center for Human Genetics Tuebingen
Classification: Likely benign. Last evaluated: 2023-08-01. Review status: criteria provided, single submitter. Criteria: CeGaT Center For Human Genetics Tuebingen Variant Classification Criteria Version 2. Collection method: clinical testing. Allele origin: germline. Affected: yes. Observed: 1 variant allele.
Comment: MUC22: BP4, BP7

NM_001395414.1(MUC22):c.3318T>C (p.Thr1106=)

Gene: MUC22 (mucin 22; plus strand). Cytogenetic location: 6p21.33.
Variant type: single nucleotide variant.
Coding change: c.3318T>C on transcript NM_001395414.1 (MANE Select); coding-DNA position 3318, T replaced by C.
Protein change: p.Thr1106=; no amino-acid change (threonine 1106 retained).
Molecular consequence: synonymous variant.
Genome position (GRCh38, 1-based): chr6:31,028,749, T>C. VCF-style: chr6-31028749-T-C. GRCh37 (hg19) VCF-style: chr6-30996526-T-C.
Other names: c.3318T>C, p.Thr1106= (NM_001198815.1); c.3327T>C, p.Thr1109= (NM_001318484.1, NM_001322469.1).
Identifiers: ClinVar variation 2656387 (VCV002656387.24), dbSNP rs760635866, ClinGen allele CA3707877.